The following is an entry in ClinVar:

ClinVar aggregate classification (germline): Uncertain significance (1 of 4 stars; one submission).

Submission:

GeneDx
Classification: Uncertain significance. Last evaluated: 2023-05-31. Review status: criteria provided, single submitter. Criteria: GeneDx Variant Classification Process June 2021. Collection method: clinical testing. Allele origin: germline. Affected: yes.
Comment: Has not been previously published as pathogenic or benign to our knowledge; Not observed at significant frequency in large population cohorts (gnomAD); In silico analysis supports that this missense variant has a deleterious effect on protein structure/function

NM_001458.5(FLNC):c.7562G>A (p.Gly2521Asp)

Genes: FLNC (filamin C; plus strand), FLNC-AS1 (FLNC antisense RNA 1; minus strand). Cytogenetic location: 7q32.1.
Variant type: single nucleotide variant.
Coding change: c.7562G>A on transcript NM_001458.5 (MANE Select); coding-DNA position 7562, G replaced by A.
Protein change: p.Gly2521Asp; replaces glycine 2521 with aspartic acid.
Molecular consequence: missense variant.
Genome position (GRCh38, 1-based): chr7:128,857,118, G>A. VCF-style: chr7-128857118-G-A. GRCh37 (hg19) VCF-style: chr7-128497172-G-A.
Other names: c.7463G>A, p.Gly2488Asp (NM_001127487.2); short protein forms G2488D, G2521D.
Identifiers: ClinVar variation 3362026 (VCV003362026.1).
Genomic context (GRCh38, chr7:128,857,118, plus strand): 5'-CCAGTCCCTCTTGGGCCACAAGCCCTTCCTGCCCTCAGCCTTGCTACCTCTGGCCCCCAG[G>A]TGTGTCATCAGAGTTCATCGTGAACACCCTGAATGCCGGCTCGGGGGCCTTGTCTGTCAC-3'
Protein context (NP_001449.3, residues 2511-2531): YGPGLEGGTT[Gly2521Asp]VSSEFIVNTL